The following is an entry in ClinVar:

NM_000038.6(APC):c.729+1830C>G

Gene: APC (APC regulator of WNT signaling pathway; plus strand). Cytogenetic location: 5q22.2.
Variant type: single nucleotide variant.
Coding change: c.729+1830C>G on transcript NM_000038.6 (MANE Select); 1830 bases into the intron after coding-DNA position 729, C replaced by G.
Molecular consequence: intron variant.
Genome position (GRCh38, 1-based): chr5:112,794,359, C>G. VCF-style: chr5-112794359-C-G. GRCh37 (hg19) VCF-style: chr5-112130056-C-G.
Other names: c.729+1830C>G (NM_001354895.2, NM_001127510.3, NM_001354896.2 and 1 more transcripts); c.759+1830C>G (NM_001354897.2, NM_001354902.2); c.676-6920C>G (NM_001127511.3); c.654+1830C>G (NM_001354898.2, NM_001354904.2); c.-307+1830C>G (NM_001354906.2); c.646-6920C>G (NM_001354899.2); c.552+1830C>G (NM_001354900.2, NM_001354901.2, NM_001354905.2).
Identifiers: ClinVar variation 83010 (VCV000083010.2), dbSNP rs74725869, ClinGen allele CA013058.

ClinVar aggregate classification (germline): other (0 of 4 stars; one submission).

Conditions:
Familial colorectal cancer. Identifiers: MedGen CN280943, MONDO:0023113. Disease mechanism: loss of function.

Submission:

Systems Biology Platform Zhejiang California International NanoSystems Institute
Classification: other for Familial colorectal cancer. Review status: no assertion criteria provided. Collection method: not provided. Allele origin: unknown.
ClinVar note: Converted during submission from cancer to other.